The following is an entry in ClinVar:

NM_000492.4(CFTR):c.1856T>C (p.Leu619Ser)

Gene: CFTR (CF transmembrane conductance regulator; plus strand). Cytogenetic location: 7q31.2.
Variant type: single nucleotide variant.
Coding change: c.1856T>C on transcript NM_000492.4 (MANE Select); coding-DNA position 1856, T replaced by C.
Protein change: p.Leu619Ser; replaces leucine 619 with serine.
Molecular consequence: missense variant.
Genome position (GRCh38, 1-based): chr7:117,592,023, T>C. VCF-style: chr7-117592023-T-C. GRCh37 (hg19) VCF-style: chr7-117232077-T-C.
Other names: short protein forms L619S.
Identifiers: ClinVar variation 53405 (VCV000053405.2), dbSNP rs397508313, ClinGen allele CA326701.
Genomic context (GRCh38, chr7:117,592,023, plus strand): 5'-CTAGGATTTTGGTCACTTCTAAAATGGAACATTTAAAGAAAGCTGACAAAATATTAATTT[T>C]GCATGAAGGTAGCAGCTATTTTTATGGGACATTTTCAGAACTCCAAAATCTACAGCCAGA-3'
Protein context (NP_000483.3, residues 609-629): HLKKADKILI[Leu619Ser]HEGSSYFYGT

ClinVar aggregate classification (germline): Uncertain significance. Review status: criteria provided, single submitter (1 of 4 stars). 2 submissions from 2 submitters: Uncertain significance (1). 1 of the submissions does not count toward it. Last evaluated 2022-09-05.

Conditions:
Cystic fibrosis (CF). Also called: MUCOVISCIDOSIS. Identifiers: Orphanet 586, MedGen C0010674, MONDO:0009061, OMIM 219700. Disease mechanism: loss of function.

Submissions (2):

Institute of Human Genetics, University of Leipzig Medical Center
Classification: Uncertain significance for Cystic fibrosis. Last evaluated: 2022-09-05. Review status: criteria provided, single submitter. Criteria: ACMG Guidelines, 2015. Collection method: curation. Allele origin: unknown. Affected: yes. Observed: 1 variant allele.
Comment: The variant was classified in the context of a project re-classifying variants in the German Cystic Fibrosis Registry (Muko.e.V.). Criteria applied: PM3_SUP, PM2_SUP, PP3, PP4

ClinVar Staff, National Center for Biotechnology Information (NCBI)
No classification provided. Condition: CFTR-related disorders. Review status: no classification provided. Collection method: literature only. Allele origin: germline. Affected: yes. Not counted in ClinVar's aggregate classification.

Literature cited by the submitters: PubMed 18373402 (cited by ClinVar Staff, National Center for Biotechnology Information (NCBI)); PubMed 9736778 (cited by ClinVar Staff, National Center for Biotechnology Information (NCBI)).